The following is an entry in ClinVar:

NM_014244.5(ADAMTS2):c.1867C>T (p.Arg623Cys)

Gene: ADAMTS2 (ADAM metallopeptidase with thrombospondin type 1 motif 2; minus strand). Cytogenetic location: 5q35.3.
Variant type: single nucleotide variant.
Coding change: c.1867C>T on transcript NM_014244.5 (MANE Select); coding-DNA position 1867, C replaced by T.
Protein change: p.Arg623Cys; replaces arginine 623 with cysteine.
Molecular consequence: missense variant.
Genome position (GRCh38, 1-based): chr5:179,137,853, G>A on the plus strand (C>T on the coding strand, the complement: ADAMTS2 is on the minus strand). VCF-style: chr5-179137853-G-A. GRCh37 (hg19) VCF-style: chr5-178564854-G-A.
Other names: short protein forms R623C.
Identifiers: ClinVar variation 387926 (VCV000387926.13), dbSNP rs752401488, ClinGen allele CA3595762.

ClinVar aggregate classification (germline): Uncertain significance. Review status: criteria provided, multiple submitters, no conflicts (2 of 4 stars). 3 submissions from 3 submitters: Uncertain significance (2). 1 of the submissions does not count toward it. Last evaluated 2025-03-18.

Conditions:
Ehlers-Danlos syndrome, dermatosparaxis type. Also called: EDS VIIC; Dermatosparaxis; Ehlers-Danlos syndrome, type VII, autosomal recessive. Identifiers: Orphanet 1901, MedGen C2700425, MONDO:0009161, OMIM 225410.

Allele frequency attached by ClinVar (database versions not stated): gnomAD exomes 0.00001; ExAC 0.00009.
gnomAD v4.1: 3 of 1,566,646 alleles (0.00019%); highest among the groups gnomAD compares: Non-Finnish European, 0.00026%; no homozygotes.

Submissions (3):

Labcorp Genetics (formerly Invitae), Labcorp
Classification: Uncertain significance for Ehlers-Danlos syndrome, dermatosparaxis type. Last evaluated: 2025-03-18. Review status: criteria provided, single submitter. Criteria: Invitae Variant Classification Sherloc (09022015). Collection method: clinical testing. Allele origin: germline.
Comment: This sequence change replaces arginine, which is basic and polar, with cysteine, which is neutral and slightly polar, at codon 623 of the ADAMTS2 protein (p.Arg623Cys). The frequency data for this variant in the population databases is considered unreliable, as metrics indicate poor data quality at this position in the gnomAD database. This variant has not been reported in the literature in individuals affected with ADAMTS2-related conditions. ClinVar contains an entry for this variant (Variation ID: 387926). An algorithm developed to predict the effect of missense changes on protein structure and function (PolyPhen-2) suggests that this variant is likely to be disruptive. In summary, the available evidence is currently insufficient to determine the role of this variant in disease. Therefore, it has been classified as a Variant of Uncertain Significance.

GeneDx
Classification: Uncertain significance. Last evaluated: 2020-05-01. Review status: criteria provided, single submitter. Criteria: GeneDx Variant Classification Process June 2021. Collection method: clinical testing. Allele origin: germline. Affected: yes.
Comment: Not observed at a significant frequency in large population cohorts (Lek et al., 2016); In silico analysis supports that this missense variant has a deleterious effect on protein structure/function; Has not been previously published as pathogenic or benign to our knowledge

Natera, Inc.
Classification: Uncertain significance for Ehlers-Danlos syndrome type VIIC. Last evaluated: 2019-10-28. Review status: no assertion criteria provided. Collection method: clinical testing. Allele origin: germline. Not counted in ClinVar's aggregate classification.